The following is an entry in ClinVar:

ClinVar aggregate classification (germline): Uncertain significance (1 of 4 stars; one submission).

Conditions:
Coenzyme q10 deficiency, primary, 9. Identifiers: MedGen C5436638, MONDO:0033615, OMIM 619028.

gnomAD v4.1: 1 of 1,614,214 alleles (0.000062%); highest among the groups gnomAD compares: Admixed American, 0.0017%; no homozygotes.

Submission:

3billion
Classification: Uncertain significance for Coenzyme q10 deficiency, primary, 9. Last evaluated: 2025-09-29. Review status: criteria provided, single submitter. Criteria: ACMG Guidelines, 2015. Collection method: clinical testing. Allele origin: germline. Affected: yes.
Comment: The variant is observed at an extremely low frequency in the gnomAD v4.1.0 dataset (total allele frequency: <0.001%). Predicted Consequence/Location: Missense variant In silico tool predictions suggest damaging effect of the variant on gene or gene product [REVEL: 0.74 (>=0.6, sensitivity 0.68 and specificity 0.92)]. Therefore, this variant is classified as VUS according to the recommendation of ACMG/AMP guideline.

NM_032314.4(COQ5):c.374T>C (p.Leu125Pro)

Gene: COQ5 (coenzyme Q5, methyltransferase; minus strand). Cytogenetic location: 12q24.31.
Variant type: single nucleotide variant.
Coding change: c.374T>C on transcript NM_032314.4 (MANE Select); coding-DNA position 374, T replaced by C.
Protein change: p.Leu125Pro; replaces leucine 125 with proline.
Molecular consequence: missense variant.
Genome position (GRCh38, 1-based): chr12:120,516,767, A>G on the plus strand (T>C on the coding strand, the complement: COQ5 is on the minus strand). VCF-style: chr12-120516767-A-G. GRCh37 (hg19) VCF-style: chr12-120954570-A-G.
Other names: short protein forms L125P.
Identifiers: ClinVar variation 4854191 (VCV004854191.1).